The following is an entry in ClinVar:

ClinVar aggregate classification (germline): Uncertain significance (1 of 4 stars; one submission).

gnomAD v4.1: 1 of 1,597,488 alleles (0.000063%); highest among the groups gnomAD compares: Non-Finnish European, 0.000086%; no homozygotes.

Submission:

GeneDx
Classification: Uncertain significance. Last evaluated: 2025-06-13. Review status: criteria provided, single submitter. Criteria: GeneDx Variant Classification Process June 2021. Collection method: clinical testing. Allele origin: germline. Affected: yes.
Comment: Not observed at significant frequency in large population cohorts (gnomAD); Has not been previously published as pathogenic or benign to our knowledge; In silico analysis is inconclusive as to whether the variant alters gene splicing. In the absence of RNA/functional studies, the actual effect of this sequence change is unknown.

NM_001378609.3(OTOGL):c.6226+3A>G

Gene: OTOGL (otogelin like; plus strand). Cytogenetic location: 12q21.31.
Variant type: single nucleotide variant.
Coding change: c.6226+3A>G on transcript NM_001378609.3 (MANE Select); 3 bases into the intron after coding-DNA position 6226, A replaced by G.
Molecular consequence: intron variant.
Genome position (GRCh38, 1-based): chr12:80,358,778, A>G. VCF-style: chr12-80358778-A-G. GRCh37 (hg19) VCF-style: chr12-80752558-A-G.
Other names: c.6091+3A>G (NM_001368062.3); c.6226+3A>G (NM_001378610.3, NM_173591.7).
Identifiers: ClinVar variation 4537523 (VCV004537523.1).
Genomic context (GRCh38, chr12:80,358,778, plus strand): 5'-GATATGAATCTTGTGAAAGAAAATGTATCTGGTCAATGTTGCCCAACATGGCACTGTGGT[A>G]ACTAATTTTCATATTTTAAGGTTTCATTATAATAAGTTAATTATTTTGATCAATGTAAAT-3'